The following is an entry in ClinVar:

NM_007327.4(GRIN1):c.1937C>A (p.Ser646Tyr)

Gene: GRIN1 (glutamate ionotropic receptor NMDA type subunit 1; plus strand). Cytogenetic location: 9q34.3.
Variant type: single nucleotide variant.
Coding change: c.1937C>A on transcript NM_007327.4 (MANE Select); coding-DNA position 1937, C replaced by A.
Protein change: p.Ser646Tyr; replaces serine 646 with tyrosine.
Molecular consequence: missense variant.
Genome position (GRCh38, 1-based): chr9:137,162,663, C>A. VCF-style: chr9-137162663-C-A. GRCh37 (hg19) VCF-style: chr9-140057115-C-A.
Other names: c.1937C>A, p.Ser646Tyr (NM_000832.7, NM_021569.4); c.2000C>A, p.Ser667Tyr (NM_001185090.2, NM_001185091.2); short protein forms S646Y, S667Y.
Identifiers: ClinVar variation 2571351 (VCV002571351.27), dbSNP rs2131299235, ClinGen allele CA375720797.

ClinVar aggregate classification (germline): Likely pathogenic (1 of 4 stars; one submission).

Submission:

CeGaT Center for Human Genetics Tuebingen
Classification: Likely pathogenic. Last evaluated: 2023-05-01. Review status: criteria provided, single submitter. Criteria: CeGaT Center For Human Genetics Tuebingen Variant Classification Criteria Version 2. Collection method: clinical testing. Allele origin: germline. Affected: yes. Observed: 1 variant allele.
Comment: GRIN1: PS2, PM1, PM2, PP2